The following is an entry in ClinVar:

NM_015915.5(ATL1):c.1051A>G (p.Thr351Ala)

Gene: ATL1 (atlastin GTPase 1; plus strand). Cytogenetic location: 14q22.1.
Variant type: single nucleotide variant.
Coding change: c.1051A>G on transcript NM_015915.5 (MANE Select); coding-DNA position 1051, A replaced by G.
Protein change: p.Thr351Ala; replaces threonine 351 with alanine.
Molecular consequence: missense variant.
Genome position (GRCh38, 1-based): chr14:50,623,180, A>G. VCF-style: chr14-50623180-A-G. GRCh37 (hg19) VCF-style: chr14-51089898-A-G.
Other names: c.1051A>G, p.Thr351Ala (NM_001127713.1, NM_181598.4); short protein forms T351A.
Identifiers: ClinVar variation 1199524 (VCV001199524.8), dbSNP rs2140234793, ClinGen allele CA389674105.

ClinVar aggregate classification (germline): Conflicting classifications of pathogenicity. Review status: criteria provided, conflicting classifications (1 of 4 stars). 2 submissions from 2 submitters: Likely pathogenic (1); Uncertain significance (1). Last evaluated 2023-02-05.

Conditions:
Hereditary spastic paraplegia 3A (SPG3A). Also called: Spastic paraplegia 3A, autosomal dominant; SPASTIC PARAPLEGIA 3, AUTOSOMAL DOMINANT; FAMILIAL SPASTIC PARAPLEGIA, AUTOSOMAL DOMINANT, 1; SPG3; STRUMPELL DISEASE; Spastic Paraplegia 3A. Identifiers: Orphanet 100984, MedGen C2931355, MONDO:0008437, OMIM 182600.

Submissions (2):

Labcorp Genetics (formerly Invitae), Labcorp
Classification: Uncertain significance for Hereditary spastic paraplegia 3A. Last evaluated: 2023-02-05. Review status: criteria provided, single submitter. Criteria: Invitae Variant Classification Sherloc (09022015). Collection method: clinical testing. Allele origin: germline.
Comment: This variant is not present in population databases (gnomAD no frequency). This variant has not been reported in the literature in individuals affected with ATL1-related conditions. ClinVar contains an entry for this variant (Variation ID: 1199524). Algorithms developed to predict the effect of missense changes on protein structure and function (SIFT, PolyPhen-2, Align-GVGD) all suggest that this variant is likely to be disruptive. In summary, the available evidence is currently insufficient to determine the role of this variant in disease. Therefore, it has been classified as a Variant of Uncertain Significance. This sequence change replaces threonine, which is neutral and polar, with alanine, which is neutral and non-polar, at codon 351 of the ATL1 protein (p.Thr351Ala).

GeneDx
Classification: Likely pathogenic. Last evaluated: 2019-08-13. Review status: criteria provided, single submitter. Criteria: GeneDx Variant Classification Process June 2021. Collection method: clinical testing. Allele origin: germline. Affected: yes.
Comment: Not observed in large population cohorts (Lek et al., 2016); In silico analysis, which includes protein predictors and evolutionary conservation, supports a deleterious effect; Has not been previously published as pathogenic or benign to our knowledge